The following is an entry in ClinVar:

ClinVar aggregate classification (germline): Uncertain significance (1 of 4 stars; one submission).

Conditions:
Inborn genetic diseases. Identifiers: MedGen C0950123, MeSH D030342.

Submission:

Ambry Genetics
Classification: Uncertain significance for Inborn genetic diseases. Last evaluated: 2025-11-19. Review status: criteria provided, single submitter. Criteria: Ambry Variant Classification Scheme 2023. Collection method: clinical testing. Allele origin: germline.
Comment: The p.F1054S variant (also known as c.3161T>C), located in coding exon 18 of the RECQL4 gene, results from a T to C substitution at nucleotide position 3161. The phenylalanine at codon 1054 is replaced by serine, an amino acid with highly dissimilar properties. This amino acid position is conserved. In addition, the in silico prediction for this alteration is inconclusive. Based on the available evidence, the clinical significance of this variant remains unclear.

NM_004260.4(RECQL4):c.3161T>C (p.Phe1054Ser)

Gene: RECQL4 (RecQ like helicase 4; minus strand). Cytogenetic location: 8q24.3.
Variant type: single nucleotide variant.
Coding change: c.3161T>C on transcript NM_004260.4 (MANE Select); coding-DNA position 3161, T replaced by C.
Protein change: p.Phe1054Ser; replaces phenylalanine 1054 with serine.
Molecular consequence: missense variant. On other transcripts: non-coding transcript variant (3).
Genome position (GRCh38, 1-based): chr8:144,512,219, A>G on the plus strand (T>C on the coding strand, the complement: RECQL4 is on the minus strand). VCF-style: chr8-144512219-A-G. GRCh37 (hg19) VCF-style: chr8-145737602-A-G.
Other names: c.2090T>C, p.Phe697Ser (NM_001413024.1, NM_001413028.1, NM_001413034.1 and 4 more transcripts); c.3032T>C, p.Phe1011Ser (NM_001413025.1); c.2024T>C, p.Phe675Ser (NM_001413027.1, NM_001413030.1, NM_001413032.1); c.2810T>C, p.Phe937Ser (NM_001413029.1); c.1892T>C, p.Phe631Ser (NM_001413031.1, NM_001413038.1); c.3029T>C, p.Phe1010Ser (NM_001413033.1); c.3161T>C, p.Phe1054Ser (NM_001413036.1); c.1958T>C, p.Phe653Ser (NM_001413037.1); and 9 more; short protein forms F1054S, F631S, F937S, F956S, F1011S, F1079S, F653S, F1010S.
Identifiers: ClinVar variation 4628976 (VCV004628976.1).